The following is an entry in ClinVar:

ClinVar aggregate classification (germline): Uncertain significance (1 of 4 stars; one submission).

Conditions:
SFTPD-related disorder. Also called: SFTPD-related condition.

Submission:

PreventionGenetics, part of Exact Sciences
Classification: Uncertain significance for SFTPD-related condition. Last evaluated: 2022-12-19. Review status: criteria provided, single submitter. Criteria: ACMG Guidelines, 2015. Collection method: clinical testing. Allele origin: germline.
Comment: The SFTPD c.1082dupA variant is predicted to result in a frameshift and premature protein termination (p.Asn361Lysfs*2). To our knowledge, this variant has not been reported in the literature or in a large population database, indicating this variant is rare. At this time, the clinical significance of this variant is uncertain due to the absence of conclusive functional and genetic evidence.

NM_003019.5(SFTPD):c.1082dup (p.Asn361fs)

Gene: SFTPD (surfactant protein D; minus strand). Cytogenetic location: 10q22.3.
Variant type: Duplication.
Coding change: c.1082dup on transcript NM_003019.5 (MANE Select); coding-DNA position 1082, one base duplicated (A; older notation c.1082dupA).
Protein change: p.Asn361fs; shifts the reading frame from asparagine 361.
Molecular consequence: frameshift variant.
Genome position (GRCh38, 1-based): chr10:79,937,898, T duplicated on the plus strand (A on the coding strand, the reverse complement: SFTPD is on the minus strand); the first of 2 consecutive T bases (chr10:79,937,898-79,937,899); duplicating either gives the same sequence. VCF-style (leftmost placement, unchanged base first): chr10-79937897-A-AT. GRCh37 (hg19) VCF-style: chr10-81697653-A-AT.
Other names: short protein forms N361fs.
Identifiers: ClinVar variation 2629926 (VCV002629926.1), dbSNP rs2492061099, ClinGen allele CA2695200861.
Genomic context (GRCh38, chr10:79,937,897, plus strand): 5'-CCCACCCCAGTTGGCTCAGAACTCGCAGACCACAAGACGCTTTTCTCCACAAGCCCTGTC[A>AT]TTCCACTTGCCATTGGTGAAGATCTCCACACAGTCCTCTGACCCGCCATCATCGTTGGGC-3'